The following is an entry in ClinVar:

ClinVar aggregate classification (germline): Uncertain significance (1 of 4 stars; one submission).

Conditions:
Microcephaly, normal intelligence and immunodeficiency (NBS). Also called: IMMUNODEFICIENCY, MICROCEPHALY, AND CHROMOSOMAL INSTABILITY; Immunodeficiency, microcephaly with normal intelligence; SEEMANOVA SYNDROME II; Ataxia telangiectasia variant V1; Microcephaly with normal intelligence immunodeficiency and lymphoreticular malignancies; Nonsyndromal microcephaly autosomal recessive with normal intelligence. Identifiers: Orphanet 647, MedGen C0398791, MONDO:0009623, OMIM 251260.

Submission:

Labcorp Genetics (formerly Invitae), Labcorp
Classification: Uncertain significance for Microcephaly, normal intelligence and immunodeficiency. Last evaluated: 2018-10-01. Review status: criteria provided, single submitter. Criteria: Invitae Variant Classification Sherloc (09022015). Collection method: clinical testing. Allele origin: germline.
Comment: Algorithms developed to predict the effect of missense changes on protein structure and function output the following: SIFT: "Deleterious"; PolyPhen-2: "Benign"; Align-GVGD: "Class C0". The glutamic acid amino acid residue is found in multiple mammalian species, suggesting that this missense change does not adversely affect protein function. These predictions have not been confirmed by published functional studies and their clinical significance is uncertain. In summary, the available evidence is currently insufficient to determine the role of this variant in disease. Therefore, it has been classified as a Variant of Uncertain Significance. This variant has not been reported in the literature in individuals with NBN-related disease. This sequence change replaces aspartic acid with glutamic acid at codon 527 of the NBN protein (p.Asp527Glu). The aspartic acid residue is weakly conserved and there is a small physicochemical difference between aspartic acid and glutamic acid. This variant is not present in population databases (ExAC no frequency).

NM_002485.5(NBN):c.1581T>G (p.Asp527Glu)

Gene: NBN (nibrin; minus strand). Cytogenetic location: 8q21.3.
Variant type: single nucleotide variant.
Coding change: c.1581T>G on transcript NM_002485.5 (MANE Select); coding-DNA position 1581, T replaced by G.
Protein change: p.Asp527Glu; replaces aspartic acid 527 with glutamic acid.
Molecular consequence: missense variant.
Genome position (GRCh38, 1-based): chr8:89,953,508, A>C on the plus strand (T>G on the coding strand, the complement: NBN is on the minus strand). VCF-style: chr8-89953508-A-C. GRCh37 (hg19) VCF-style: chr8-90965736-A-C.
Other names: c.1335T>G, p.Asp445Glu (NM_001024688.3); short protein forms D527E, D445E.
Identifiers: ClinVar variation 643753 (VCV000643753.8), dbSNP rs1586053893, ClinGen allele CA371655547.
Genomic context (GRCh38, chr8:89,953,508, plus strand): 5'-TGATCTTAGCTTTTCTGCAGCATGAGATTTACTGGCAGAATTTTTCACAATAGATTTTAA[A>C]TCTGTATCTGTAAATAAGTTATTGTCTGAGTTTGTGTCCACAGGCTCATTCTCAGATAGA-3'
Protein context (NP_002476.2, residues 517-537): NSDNNLFTDT[Asp527Glu]LKSIVKNSAS